The following is an entry in ClinVar:

NM_012154.5(AGO2):c.702_705del (p.Cys235fs)

Genes: AGO2 (argonaute RISC catalytic component 2; minus strand), LOC126860545 (MED14-independent group 3 enhancer GRCh37_chr8:141569579-141570778; plus strand). Cytogenetic location: 8q24.3.
Variant type: Microsatellite.
Coding change: c.702_705del on transcript NM_012154.5 (MANE Select); coding-DNA positions 702 to 705, 4 bases deleted (TTGT; older notation c.702_705delTTGT).
Protein change: p.Cys235fs; shifts the reading frame from cysteine 235.
Molecular consequence: frameshift variant.
Genome position (GRCh38, 1-based): chr8:140,559,480-140,559,483, ACAA deleted on the plus strand (TTGT on the coding strand, the reverse complement: AGO2 is on the minus strand); deleting any 4 consecutive bases within chr8:140,559,480-140,559,489 gives the same sequence; the c. name uses the placement nearest the transcript's 3' end. VCF-style (leftmost placement, unchanged base first): chr8-140559479-CACAA-C. GRCh37 (hg19) VCF-style: chr8-141569578-CACAA-C.
Other names: c.702_705del, p.Cys235fs (NM_001164623.3); short protein forms C235fs.
Identifiers: ClinVar variation 1318625 (VCV001318625.2), dbSNP rs2132938566, ClinGen allele CA2580617235.

ClinVar aggregate classification (germline): Uncertain significance (1 of 4 stars; one submission).

Submission:

GeneDx
Classification: Uncertain significance. Last evaluated: 2019-09-27. Review status: criteria provided, single submitter. Criteria: GeneDx Variant Classification Process June 2021. Collection method: clinical testing. Allele origin: germline. Affected: yes.
Comment: Not observed in large population cohorts (Lek et al., 2016); Frameshift variant predicted to result in protein truncation or nonsense mediated decay in a gene for which loss-of-function is not a known mechanism of disease; Has not been previously published as pathogenic or benign to our knowledge; Variants in candidate genes are classified as variants of uncertain significance in accordance with ACMG guidelines (Richards et al., 2015)